The following is an entry in ClinVar:

ClinVar aggregate classification (germline): Uncertain significance. Review status: criteria provided, single submitter (1 of 4 stars). 2 submissions from 2 submitters: Uncertain significance (1). 1 of the submissions does not count toward it. Last evaluated 2022-08-16.

Conditions:
Becker muscular dystrophy, Cardiomyopathy, Duchenne muscular dystrophy, Dystrophin deficiency.
Duchenne muscular dystrophy (DMD). Also called: MUSCULAR DYSTROPHY, PSEUDOHYPERTROPHIC PROGRESSIVE, DUCHENNE TYPE; Duchenne Muscular Dystrophy (DMD). Identifiers: Orphanet 98896, MedGen C0013264, MONDO:0010679, OMIM 310200.

Allele frequency attached by ClinVar (database versions not stated): TOPMed 0.00001.

Submissions (2):

Labcorp Genetics (formerly Invitae), Labcorp
Classification: Uncertain significance for Duchenne muscular dystrophy. Last evaluated: 2022-08-16. Review status: criteria provided, single submitter. Criteria: Invitae Variant Classification Sherloc (09022015). Collection method: clinical testing. Allele origin: germline.
Comment: This sequence change replaces valine, which is neutral and non-polar, with glycine, which is neutral and non-polar, at codon 763 of the DMD protein (p.Val763Gly). This variant is not present in population databases (gnomAD no frequency). This variant has not been reported in the literature in individuals affected with DMD-related conditions. Algorithms developed to predict the effect of missense changes on protein structure and function are either unavailable or do not agree on the potential impact of this missense change (SIFT: "Tolerated"; PolyPhen-2: "Possibly Damaging"; Align-GVGD: "Class C0"). In summary, the available evidence is currently insufficient to determine the role of this variant in disease. Therefore, it has been classified as a Variant of Uncertain Significance.

Natera, Inc.
Classification: Uncertain significance for Becker muscular dystrophy, Cardiomyopathy, Duchenne muscular dystrophy, Dystrophin deficiency. Last evaluated: 2025-04-10. Review status: no assertion criteria provided. Collection method: clinical testing. Allele origin: germline. Not counted in ClinVar's aggregate classification.

NM_004006.3(DMD):c.2288T>G (p.Val763Gly)

Gene: DMD (dystrophin; minus strand). Cytogenetic location: Xp21.1.
Variant type: single nucleotide variant.
Coding change: c.2288T>G on transcript NM_004006.3 (MANE Select); coding-DNA position 2288, T replaced by G.
Protein change: p.Val763Gly; replaces valine 763 with glycine.
Molecular consequence: missense variant.
Genome position (GRCh38, 1-based): chrX:32,518,012, A>C on the plus strand (T>G on the coding strand, the complement: DMD is on the minus strand). VCF-style: chrX-32518012-A-C. GRCh37 (hg19) VCF-style: chrX-32536129-A-C.
Other names: c.2264T>G, p.Val755Gly (NM_000109.4); c.2276T>G, p.Val759Gly (NM_004009.3); c.1919T>G, p.Val640Gly (NM_004010.3); short protein forms V640G, V759G, V763G, V755G.
Identifiers: ClinVar variation 2003275 (VCV002003275.2), dbSNP rs2046030879, ClinGen allele CA412663613.